The following is an entry in ClinVar:

NM_017654.4(SAMD9):c.943G>A (p.Glu315Lys)

Gene: SAMD9 (sterile alpha motif domain containing 9; minus strand). Cytogenetic location: 7q21.2.
Variant type: single nucleotide variant.
Coding change: c.943G>A on transcript NM_017654.4 (MANE Select); coding-DNA position 943, G replaced by A.
Protein change: p.Glu315Lys; replaces glutamic acid 315 with lysine.
Molecular consequence: missense variant.
Genome position (GRCh38, 1-based): chr7:93,105,155, C>T on the plus strand (G>A on the coding strand, the complement: SAMD9 is on the minus strand). VCF-style: chr7-93105155-C-T. GRCh37 (hg19) VCF-style: chr7-92734468-C-T.
Other names: c.943G>A, p.Glu315Lys (NM_001193307.2); short protein forms E315K.
Identifiers: ClinVar variation 5028783 (VCV005028783.1).

ClinVar aggregate classification (germline): Uncertain significance (1 of 4 stars; one submission).

Conditions:
Inborn genetic diseases. Identifiers: MedGen C0950123, MeSH D030342.

Submission:

Ambry Genetics
Classification: Uncertain significance for Inborn genetic diseases. Last evaluated: 2026-08-08. Review status: criteria provided, single submitter. Criteria: Ambry Variant Classification Scheme 2023. Collection method: clinical testing. Allele origin: germline.
Comment: The p.E315K variant (also known as c.943G>A), located in coding exon 1 of the SAMD9 gene, results from a G to A substitution at nucleotide position 943. The glutamic acid at codon 315 is replaced by lysine, an amino acid with similar properties. This amino acid position is conserved. In addition, this alteration is predicted to be tolerated by in silico analysis. Based on the available evidence, the clinical significance of this variant remains unclear.